The following is an entry in ClinVar:

NM_001365276.2(TNXB):c.7546G>A (p.Ala2516Thr)

Gene: TNXB (tenascin XB; minus strand). Cytogenetic location: 6p21.33.
Variant type: single nucleotide variant.
Coding change: c.7546G>A on transcript NM_001365276.2 (MANE Select); coding-DNA position 7546, G replaced by A.
Protein change: p.Ala2516Thr; replaces alanine 2516 with threonine.
Molecular consequence: missense variant.
Genome position (GRCh38, 1-based): chr6:32,058,337, C>T on the plus strand (G>A on the coding strand, the complement: TNXB is on the minus strand). VCF-style: chr6-32058337-C-T. GRCh37 (hg19) VCF-style: chr6-32026114-C-T.
Other names: c.7546G>A, p.Ala2516Thr (NM_019105.8); short protein forms A2516T.
Identifiers: ClinVar variation 989281 (VCV000989281.7), dbSNP rs1478498254, ClinGen allele CA363551664.
Genomic context (GRCh38, chr6:32,058,337, plus strand): 5'-CAGGGGAGGATCCTGTCACTGTCAGCTCCCCCAGGAGAGGCTCCTCGGGGGGCCCTGGGG[C>T]CTCTGTGCCTGGTTCTGTAGGGCTGGGGGTCTCGTCCACATCCTCTTGTGGGGCTGAAAG-3'
Protein context (NP_001352205.1, residues 2506-2526): TPSPTEPGTE[Ala2516Thr]PGPPEEPLLG

ClinVar aggregate classification (germline): Uncertain significance. Review status: criteria provided, multiple submitters, no conflicts (2 of 4 stars). 3 submissions from 3 submitters: Uncertain significance (3). Last evaluated 2023-12-13.

Conditions:
Cardiovascular phenotype. Identifiers: MedGen CN230736.
Ehlers-Danlos syndrome due to tenascin-X deficiency (EDSCLL1). Also called: TNX DEFICIENCY; EHLERS-DANLOS SYNDROME, CLASSIC-LIKE; Ehlers-Danlos syndrome, classic-like, 1; TNXB-Related Classical-Like Ehlers-Danlos Syndrome; EDS DUE TO TNX DEFICIENCY. Identifiers: Orphanet 230839, MedGen C1848029, MONDO:0011670, OMIM 606408.

Allele frequency attached by ClinVar (database versions not stated): gnomAD exomes below 0.00001; TOPMed 0.00001; gnomAD 0.00003.

Submissions (3):

GeneDx
Classification: Uncertain significance. Last evaluated: 2023-12-13. Review status: criteria provided, single submitter. Criteria: GeneDx Variant Classification Process June 2021. Collection method: clinical testing. Allele origin: germline. Affected: yes.
Comment: Not observed at significant frequency in large population cohorts (gnomAD); In silico analysis supports that this missense variant does not alter protein structure/function; Has not been previously published as pathogenic or benign to our knowledge

Ambry Genetics
Classification: Uncertain significance for Cardiovascular phenotype. Last evaluated: 2023-04-03. Review status: criteria provided, single submitter. Criteria: Ambry Variant Classification Scheme 2023. Collection method: clinical testing. Allele origin: germline.
Comment: The p.A2516T variant (also known as c.7546G>A), located in coding exon 21 of the TNXB gene, results from a G to A substitution at nucleotide position 7546. The alanine at codon 2516 is replaced by threonine, an amino acid with similar properties. This amino acid position is conserved. In addition, this alteration is predicted to be tolerated by in silico analysis. Since supporting evidence is limited at this time, the clinical significance of this alteration remains unclear.

Illumina Laboratory Services, Illumina
Classification: Uncertain significance for Ehlers-Danlos syndrome due to tenascin-X deficiency. Last evaluated: 2019-01-30. Review status: criteria provided, single submitter. Criteria: ICSLVariantClassificationCriteria RUGD 01 April 2020. Collection method: clinical testing. Allele origin: unknown.
Comment: The TNXB c.7546G>A (p.Ala2516Thr) variant is a missense variant. A literature search was performed for the gene, cDNA, and amino acid change. No publications were found based on this search. The variant is reported at a frequency of 0.000079 in the African population from the Genome Aggregation Database, though this is based on one allele in a region of good sequencing coverage, so the variant is presumed to be rare. Based on the limited evidence, the p.Ala2516Thr variant is classified as a variant of uncertain significance for Ehlers-Danlos syndrome due to tenascin-X deficiency.